The following is an entry in ClinVar:

ClinVar aggregate classification (germline): Uncertain significance (1 of 4 stars; one submission).

Conditions:
Early-infantile DEE. Also called: Early infantile epileptic encephalopathy with suppression bursts; Early infantile epileptic encephalopathy; Ohtahara syndrome. Identifiers: Orphanet 1934, MedGen C0393706, MONDO:0800491.

Allele frequency attached by ClinVar (database versions not stated): ExAC 0.00001; TOPMed 0.00001.
gnomAD v4.1: 8 of 1,614,028 alleles (0.0005%); highest among the groups gnomAD compares: South Asian, 0.0011%; no homozygotes.

Submission:

Labcorp Genetics (formerly Invitae), Labcorp
Classification: Uncertain significance for Early-infantile DEE. Last evaluated: 2022-09-13. Review status: criteria provided, single submitter. Criteria: Invitae Variant Classification Sherloc (09022015). Collection method: clinical testing. Allele origin: germline.
Comment: This variant has not been reported in the literature in individuals affected with SCN8A-related conditions. This sequence change replaces arginine, which is basic and polar, with histidine, which is basic and polar, at codon 1717 of the SCN8A protein (p.Arg1717His). This variant is present in population databases (rs780491922, gnomAD 0.003%). Advanced modeling of protein sequence and biophysical properties (such as structural, functional, and spatial information, amino acid conservation, physicochemical variation, residue mobility, and thermodynamic stability) performed at Invitae indicates that this missense variant is not expected to disrupt SCN8A protein function. In summary, the available evidence is currently insufficient to determine the role of this variant in disease. Therefore, it has been classified as a Variant of Uncertain Significance.

NM_001330260.2(SCN8A):c.5150G>A (p.Arg1717His)

Gene: SCN8A (sodium voltage-gated channel alpha subunit 8; plus strand). Cytogenetic location: 12q13.13.
Variant type: single nucleotide variant.
Coding change: c.5150G>A on transcript NM_001330260.2 (MANE Select); coding-DNA position 5150, G replaced by A.
Protein change: p.Arg1717His; replaces arginine 1717 with histidine.
Molecular consequence: missense variant.
Genome position (GRCh38, 1-based): chr12:51,806,636, G>A. VCF-style: chr12-51806636-G-A. GRCh37 (hg19) VCF-style: chr12-52200420-G-A.
Other names: c.5027G>A, p.Arg1676His (NM_001177984.3, NM_001369788.1); c.5150G>A, p.Arg1717His (NM_014191.4); short protein forms R1676H, R1717H.
Identifiers: ClinVar variation 2185898 (VCV002185898.4), dbSNP rs780491922, ClinGen allele CA6571892.